The following is an entry in ClinVar:

NM_003072.5(SMARCA4):c.604A>G (p.Met202Val)

Gene: SMARCA4 (SWI/SNF related BAF chromatin remodeling complex subunit ATPase 4; plus strand). Cytogenetic location: 19p13.2.
Variant type: single nucleotide variant.
Coding change: c.604A>G on transcript NM_003072.5 (MANE Select); coding-DNA position 604, A replaced by G.
Protein change: p.Met202Val; replaces methionine 202 with valine.
Molecular consequence: missense variant. On other transcripts: non-coding transcript variant (1).
Genome position (GRCh38, 1-based): chr19:10,986,437, A>G. VCF-style: chr19-10986437-A-G. GRCh37 (hg19) VCF-style: chr19-11097113-A-G.
Other names: c.604A>G, p.Met202Val (NM_001128844.3, NM_001128845.2, NM_001128846.2 and 4 more transcripts); short protein forms M202V.
Identifiers: ClinVar variation 826156 (VCV000826156.14), dbSNP rs1599951271, ClinGen allele CA404056539.

ClinVar aggregate classification (germline): Uncertain significance. Review status: criteria provided, multiple submitters, no conflicts (2 of 4 stars). 3 submissions from 3 submitters: Uncertain significance (3). Last evaluated 2025-11-17.

Conditions:
Rhabdoid tumor predisposition syndrome 2 (RTPS2). Identifiers: Orphanet 231108, Orphanet 69077, MedGen C2750074, MONDO:0013224, OMIM 613325.
Hereditary cancer-predisposing syndrome. Also called: Neoplastic Syndromes, Hereditary; Tumor predisposition; Hereditary neoplastic syndrome; Hereditary Cancer Syndrome. Identifiers: Orphanet 140162, MedGen C0027672, MeSH D009386, MONDO:0015356.

Submissions (3):

Ambry Genetics
Classification: Uncertain significance for Hereditary cancer-predisposing syndrome. Last evaluated: 2025-11-17. Review status: criteria provided, single submitter. Criteria: Ambry Variant Classification Scheme 2023. Collection method: clinical testing. Allele origin: germline.
Comment: The p.M202V variant (also known as c.604A>G), located in coding exon 3 of the SMARCA4 gene, results from an A to G substitution at nucleotide position 604. The methionine at codon 202 is replaced by valine, an amino acid with highly similar properties. This amino acid position is well conserved in available vertebrate species. In addition, the in silico prediction for this alteration is inconclusive. Based on the available evidence, the clinical significance of this variant remains unclear.

Labcorp Genetics (formerly Invitae), Labcorp
Classification: Uncertain significance for Rhabdoid tumor predisposition syndrome 2. Last evaluated: 2024-04-16. Review status: criteria provided, single submitter. Criteria: Invitae Variant Classification Sherloc (09022015). Collection method: clinical testing. Allele origin: germline.
Comment: This sequence change replaces methionine, which is neutral and non-polar, with valine, which is neutral and non-polar, at codon 202 of the SMARCA4 protein (p.Met202Val). This variant is not present in population databases (gnomAD no frequency). This variant has not been reported in the literature in individuals affected with SMARCA4-related conditions. ClinVar contains an entry for this variant (Variation ID: 826156). Advanced modeling of protein sequence and biophysical properties (such as structural, functional, and spatial information, amino acid conservation, physicochemical variation, residue mobility, and thermodynamic stability) performed at Invitae indicates that this missense variant is not expected to disrupt SMARCA4 protein function with a negative predictive value of 95%. In summary, the available evidence is currently insufficient to determine the role of this variant in disease. Therefore, it has been classified as a Variant of Uncertain Significance.

Baylor Genetics
Classification: Uncertain significance for Rhabdoid tumor predisposition syndrome 2. Last evaluated: 2023-05-25. Review status: criteria provided, single submitter. Criteria: ACMG Guidelines, 2015. Collection method: clinical testing. Allele origin: unknown.